The following is an entry in ClinVar:

NM_000548.5(TSC2):c.3815-4G>A

Gene: TSC2 (TSC complex subunit 2; plus strand). Cytogenetic location: 16p13.3.
Variant type: single nucleotide variant.
Coding change: c.3815-4G>A on transcript NM_000548.5 (MANE Select); 4 bases into the intron before coding-DNA position 3815, G replaced by A.
Molecular consequence: intron variant.
Genome position (GRCh38, 1-based): chr16:2,082,432, G>A. VCF-style: chr16-2082432-G-A. GRCh37 (hg19) VCF-style: chr16-2132433-G-A.
Other names: c.3814+634G>A (NM_001114382.3); c.3686-4G>A (NM_021055.3, NM_001370405.1); c.3685+634G>A (NM_001363528.2); c.3683-4G>A (NM_001370404.1); c.3682+634G>A (NM_001077183.3); c.3574+634G>A (NM_001318827.2); c.3083-4G>A (NM_001318831.2); c.3538+634G>A (NM_001318829.2); and 1 more.
Identifiers: ClinVar variation 745250 (VCV000745250.11), dbSNP rs1410163756, ClinGen allele CA620378669.

ClinVar aggregate classification (germline): Conflicting classifications of pathogenicity. Review status: criteria provided, conflicting classifications (1 of 4 stars). 2 submissions from 2 submitters: Uncertain significance (1); Likely benign (1). Last evaluated 2026-07-01.

Conditions:
Hereditary cancer-predisposing syndrome. Also called: Tumor predisposition; Hereditary Cancer Syndrome; Neoplastic Syndromes, Hereditary; Hereditary neoplastic syndrome. Identifiers: Orphanet 140162, MedGen C0027672, MeSH D009386, MONDO:0015356.
Tuberous sclerosis 2 (TSC2). Identifiers: Orphanet 805, MedGen C1860707, MONDO:0013199, OMIM 613254.

Allele frequency attached by ClinVar (database versions not stated): gnomAD exomes below 0.00001; TOPMed 0.00001.

Submissions (2):

Ambry Genetics
Classification: Uncertain significance for Hereditary cancer-predisposing syndrome. Last evaluated: 2026-07-01. Review status: criteria provided, single submitter. Criteria: Ambry Variant Classification Scheme 2023. Collection method: clinical testing. Allele origin: germline.
Comment: The c.3815-4G>A intronic variant results from a G to A substitution 4 nucleotides upstream from coding exon 31 in the TSC2 gene. This nucleotide position is well conserved in available vertebrate species. In silico splice site analysis predicts that this alteration may result in the creation or strengthening of a novel splice acceptor site. Based on the available evidence, the clinical significance of this variant remains unclear.

Labcorp Genetics (formerly Invitae), Labcorp
Classification: Likely benign for Tuberous sclerosis 2. Last evaluated: 2025-04-24. Review status: criteria provided, single submitter. Criteria: Invitae Variant Classification Sherloc (09022015). Collection method: clinical testing. Allele origin: germline.